The following is an entry in ClinVar:

NM_000352.6(ABCC8):c.4532T>C (p.Ile1511Thr)

Gene: ABCC8 (ATP binding cassette subfamily C member 8; minus strand). Cytogenetic location: 11p15.1.
Variant type: single nucleotide variant.
Coding change: c.4532T>C on transcript NM_000352.6 (MANE Select); coding-DNA position 4532, T replaced by C.
Protein change: p.Ile1511Thr; replaces isoleucine 1511 with threonine.
Molecular consequence: missense variant. On other transcripts: non-coding transcript variant (1).
Genome position (GRCh38, 1-based): chr11:17,394,279, A>G on the plus strand (T>C on the coding strand, the complement: ABCC8 is on the minus strand). VCF-style: chr11-17394279-A-G. GRCh37 (hg19) VCF-style: chr11-17415826-A-G.
Other names: c.4532T>C (NM_000352.4); c.4535T>C, p.Ile1512Thr (NM_001287174.3); c.4598T>C, p.Ile1533Thr (NM_001351295.2); c.4532T>C, p.Ile1511Thr (NM_001351296.2); c.4529T>C, p.Ile1510Thr (NM_001351297.2); short protein forms I1510T, I1511T, I1512T, I1533T.
Identifiers: ClinVar variation 2137006 (VCV002137006.7), dbSNP rs2133394768, ClinGen allele CA379782757.
Genomic context (GRCh38, chr11:17,394,279, plus strand): 5'-TAAACCCTTTCCAAGACCATGGTCCCATGGAGGGGCCCAGGACCAACCGTGGCCATGTCA[A>G]TGGAAGCCGTGGCCTCGTCCATGATGAAGATGCTGGTCTTCCTCACGAAGGCCCGGGCCA-3'
Protein context (NP_000343.2, residues 1501-1521): IFIMDEATAS[Ile1511Thr]DMATENILQK

ClinVar aggregate classification (germline): Pathogenic/Likely pathogenic. Review status: criteria provided, multiple submitters, no conflicts (2 of 4 stars). 4 submissions from 4 submitters: Pathogenic (2); Likely pathogenic (1). 1 of the submissions does not count toward it. Last evaluated 2025-10-29.

Conditions:
Hyperinsulinemic hypoglycemia, familial, 1 (HHF1). Also called: Persistent hyperinsulinemic hypoglycemia of infancy; HYPERINSULINISM, FAMILIAL, WITH PANCREATIC NESIDIOBLASTOSIS; HYPOGLYCEMIA, HYPERINSULINEMIC, OF INFANCY; NESIDIOBLASTOSIS OF PANCREAS; Persistent Hyperinsulinemia Hypoglycemia of Infancy. Identifiers: Orphanet 276575, Orphanet 276598, MedGen C2931832, MONDO:0009734, OMIM 256450.
Familial hyperinsulinism. Also called: Congenital hyperinsulinism. Identifiers: Orphanet 276525, MedGen C3888018, MONDO:0017182. Disease mechanism: loss of function.

Submissions (4):

Myriad Genetics, Inc.
Classification: Likely pathogenic for Hyperinsulinemic hypoglycemia, familial, 1. Last evaluated: 2025-10-29. Review status: criteria provided, single submitter. Criteria: Myriad Autosomal Dominant, Autosomal Recessive and X-Linked Classification Criteria (2023). Collection method: clinical testing. Allele origin: unknown.
Comment: NM_000352.3(ABCC8):c.4532T>C(I1511T) is a missense variant classified as likely pathogenic in the context of familial hyperinsulinism, ABCC8-related. Please note that I1511T is associated with autosomal dominant familial hyperinsulinism, ABCC8-related. The reproductive risk may be as high as 50%. I1511T has been observed in cases with relevant disease (PMID: 25931474, 31997554, 37216904, Conwell_2017_Abstract). Relevant functional assessments of this variant are available in the literature (PMID: 18596924, Conwell_2017_Abstract). I1511T has not been observed in referenced population frequency databases. In summary, NM_000352.3(ABCC8):c.4532T>C(I1511T) is a missense variant that has functional support for pathogenicity and has been observed more frequently in cases with the relevant disease than in healthy populations. Please note: this variant was assessed in the context of healthy population screening.

Women's Health and Genetics/Laboratory Corporation of America, LabCorp
Classification: Pathogenic for Familial hyperinsulinism. Last evaluated: 2025-07-08. Review status: criteria provided, single submitter. Criteria: LabCorp Variant Classification Summary - May 2015. Collection method: clinical testing. Allele origin: germline.
Comment: Variant summary: ABCC8 c.4532T>C (p.Ile1511Thr) results in a non-conservative amino acid change in the encoded protein sequence. Algorithms developed to predict the effect of missense changes on protein structure and function all suggest that this variant is likely to be disruptive. The variant was absent in 251258 control chromosomes. c.4532T>C has been observed in individuals affected with Familial Hyperinsulinism and at least two of these individual have been found to be de novo for this variant (Pinney_2008, Clemente_2023, Chang_2024). These data indicate that the variant may be associated with disease. At least one publication reports experimental evidence evaluating an impact on protein function (Pinney_2008). The most pronounced variant effect results in 10%-<30% of normal activity. The following publications have been ascertained in the context of this evaluation (PMID: 38212772, 37216904, 18596924). ClinVar contains an entry for this variant (Variation ID: 2137006). Based on the evidence outlined above, the variant was classified as pathogenic.

Labcorp Genetics (formerly Invitae), Labcorp
Classification: Pathogenic. Last evaluated: 2024-05-13. Review status: criteria provided, single submitter. Criteria: Invitae Variant Classification Sherloc (09022015). Collection method: clinical testing. Allele origin: germline.
Comment: This sequence change replaces isoleucine, which is neutral and non-polar, with threonine, which is neutral and polar, at codon 1511 of the ABCC8 protein (p.Ile1511Thr). This variant is not present in population databases (gnomAD no frequency). This missense change has been observed in individual(s) with autosomal dominant congenital hyperinsulinism (PMID: 18596924). In at least one individual the variant was observed to be de novo. This variant is also known as p.I1512T. ClinVar contains an entry for this variant (Variation ID: 2137006). Advanced modeling of protein sequence and biophysical properties (such as structural, functional, and spatial information, amino acid conservation, physicochemical variation, residue mobility, and thermodynamic stability) performed at Invitae indicates that this missense variant is expected to disrupt ABCC8 protein function with a positive predictive value of 95%. Experimental studies have shown that this missense change affects ABCC8 function (PMID: 18596924). This variant disrupts the p.Ile1511 amino acid residue in ABCC8. Other variant(s) that disrupt this residue have been determined to be pathogenic (Invitae). This suggests that this residue is clinically significant, and that variants that disrupt this residue are likely to be disease-causing. For these reasons, this variant has been classified as Pathogenic.

Department of Endocrinology, Genetics and Metabolism, Shanghai Children's Medical Center
Classification: Likely pathogenic for Hyperinsulinemic hypoglycemia, familial, 1. Review status: no assertion criteria provided. Collection method: clinical testing. Allele origin: maternal. Affected: yes. Not counted in ClinVar's aggregate classification.

Literature cited by the submitters: PubMed 18596924 (cited by Women's Health and Genetics/Laboratory Corporation of America, LabCorp and Labcorp Genetics (formerly Invitae), Labcorp); PubMed 37216904 (cited by Women's Health and Genetics/Laboratory Corporation of America, LabCorp); PubMed 38212772 (cited by Women's Health and Genetics/Laboratory Corporation of America, LabCorp).